The following is an entry in ClinVar:

NM_003047.5(SLC9A1):c.426G>T (p.Val142=)

Gene: SLC9A1 (solute carrier family 9 member A1; minus strand). Cytogenetic location: 1p36.11.
Variant type: single nucleotide variant.
Coding change: c.426G>T on transcript NM_003047.5 (MANE Select); coding-DNA position 426, G replaced by T.
Protein change: p.Val142=; no amino-acid change (valine 142 retained).
Molecular consequence: synonymous variant.
Genome position (GRCh38, 1-based): chr1:27,114,213, C>A on the plus strand (G>T on the coding strand, the complement: SLC9A1 is on the minus strand). VCF-style: chr1-27114213-C-A. GRCh37 (hg19) VCF-style: chr1-27440704-C-A.
Identifiers: ClinVar variation 2638555 (VCV002638555.24), dbSNP rs972362776, ClinGen allele CA416975053.
Genomic context (GRCh38, chr1:27,114,213, plus strand): 5'-GAAGAAGACGTCGGACTGCAGGAAGGGGGGTGTCTCGCCTACACCCTTGATCAGGCCCCC[C>A]ACCAGCAGCCCCACCACGATCAGCAGGCAGCTCTCCGGGACGATGCTTGAGATAGTGGGG-3'
Protein context (NP_003038.2, residues 132-152): SCLLIVVGLL[Val142=]GGLIKGVGET

ClinVar aggregate classification (germline): Likely benign (1 of 4 stars; one submission).

gnomAD v4.1: 6 of 1,614,142 alleles (0.00037%); highest among the groups gnomAD compares: Non-Finnish European, 0.00051%; no homozygotes.

Submission:

CeGaT Center for Human Genetics Tuebingen
Classification: Likely benign. Last evaluated: 2023-07-01. Review status: criteria provided, single submitter. Criteria: CeGaT Center For Human Genetics Tuebingen Variant Classification Criteria Version 2. Collection method: clinical testing. Allele origin: germline. Affected: yes. Observed: 1 variant allele.
Comment: SLC9A1: PM2:Supporting, BP4, BP7